The following is an entry in ClinVar:

ClinVar aggregate classification (germline): Likely benign (1 of 4 stars; one submission).

Allele frequency attached by ClinVar (database versions not stated): 1000 Genomes Project 0.00020; 1000 Genomes Project 30x 0.00031.

Submission:

CeGaT Center for Human Genetics Tuebingen
Classification: Likely benign. Last evaluated: 2023-04-01. Review status: criteria provided, single submitter. Criteria: CeGaT Center For Human Genetics Tuebingen Variant Classification Criteria Version 2. Collection method: clinical testing. Allele origin: germline. Affected: yes. Observed: 1 variant allele.
Comment: ZNF292: BP4

NM_015021.3(ZNF292):c.3235G>A (p.Asp1079Asn)

Gene: ZNF292 (zinc finger protein 292; plus strand). Cytogenetic location: 6q14.3.
Variant type: single nucleotide variant.
Coding change: c.3235G>A on transcript NM_015021.3 (MANE Select); coding-DNA position 3235, G replaced by A.
Protein change: p.Asp1079Asn; replaces aspartic acid 1079 with asparagine.
Molecular consequence: missense variant.
Genome position (GRCh38, 1-based): chr6:87,256,864, G>A. VCF-style: chr6-87256864-G-A. GRCh37 (hg19) VCF-style: chr6-87966582-G-A.
Other names: c.2815G>A, p.Asp939Asn (NM_001351444.2); short protein forms D1079N, D939N.
Identifiers: ClinVar variation 2656743 (VCV002656743.24), dbSNP rs377156350, ClinGen allele CA3914089.
Genomic context (GRCh38, chr6:87,256,864, plus strand): 5'-AATCTTTATAATTTACCTCTTAAGACATTAGAAAGTATTGCATTTGTTCCACCGCAGTCC[G>A]ACCTAAGTAATTCATTAGGAACTCCATCAGTGCCTCCAAAAGCTCCAGTTCAGAAATTCA-3'
Protein context (NP_055836.1, residues 1069-1089): ESIAFVPPQS[Asp1079Asn]LSNSLGTPSV